The following is an entry in ClinVar:

ClinVar aggregate classification (germline): Uncertain significance (1 of 4 stars; one submission).

Conditions:
Familial cancer of breast. Also called: BREAST CANCER, FAMILIAL; hereditary breast carcinoma; Hereditary breast cancer. Identifiers: Orphanet 227535, MedGen C0346153, MONDO:0016419, OMIM 114480. Disease mechanism: loss of function.

Submission:

Neuberg Centre For Genomic Medicine, NCGM
Classification: Uncertain significance for Familial cancer of breast. Review status: criteria provided, single submitter. Criteria: ACMG Guidelines, 2015. Collection method: clinical testing. Allele origin: germline. Inheritance: Autosomal dominant inheritance. Affected: yes.
Comment: The missense variant c.1559G>A (p.Arg520Lys) in BARD1 gene has not been reported previously as a pathogenic variant nor as a benign variant, to our knowledge. The p.Arg520Lys variant is novel (not in any individuals) in gnomAD Exomes and 1000 Genomes. The amino acid Arg at position 520 is changed to a Lys changing protein sequence and it might alter its composition and physico-chemical properties. In silico tools predict the variant to be tolerated. The residue is conserved across species. The amino acid change p.Arg520Lys in BARD1 is predicted as conserved by GERP++ and PhyloP across 100 vertebrates. For these reasons, this variant has been classified as Uncertain Significance.

NM_000465.4(BARD1):c.1559G>A (p.Arg520Lys)

Gene: BARD1 (BRCA1 associated RING domain 1; minus strand). Cytogenetic location: 2q35.
Variant type: single nucleotide variant.
Coding change: c.1559G>A on transcript NM_000465.4 (MANE Select); coding-DNA position 1559, G replaced by A.
Protein change: p.Arg520Lys; replaces arginine 520 with lysine.
Molecular consequence: missense variant. On other transcripts: non-coding transcript variant (3), intron variant (3).
Genome position (GRCh38, 1-based): chr2:214,767,491, C>T on the plus strand (G>A on the coding strand, the complement: BARD1 is on the minus strand). VCF-style: chr2-214767491-C-T. GRCh37 (hg19) VCF-style: chr2-215632215-C-T.
Other names: c.1502G>A, p.Arg501Lys (NM_001282543.2); c.159-14936G>A (NM_001282548.2); c.216-14936G>A (NM_001282545.2); c.364+24806G>A (NM_001282549.2); short protein forms R520K, R501K.
Identifiers: ClinVar variation 2585018 (VCV002585018.1), dbSNP rs2469442414, ClinGen allele CA350448106.
Genomic context (GRCh38, chr2:214,767,491, plus strand): 5'-TTCAAGAATATAGGTCCATTTTAAAAATAATTTTTACGTTGAACTACTTACACAGCATTT[C>T]TGGAGGCTCCATAGGAAAGTAACAGCTTGACTATATCCACATGCCCATTCTTGGCTGCAT-3'
Protein context (NP_000456.2, residues 510-530): VKLLLSYGAS[Arg520Lys]NAVNIFGLRP